The following is an entry in ClinVar:

ClinVar aggregate classification (germline): Uncertain significance. Review status: criteria provided, multiple submitters, no conflicts (2 of 4 stars). 2 submissions from 2 submitters: Uncertain significance (2). Last evaluated 2024-08-23.

Conditions:
Familial thoracic aortic aneurysm and aortic dissection (TAAD). Also called: Thoracic aortic aneurysms and dissections. Identifiers: Orphanet 91387, MedGen C4707243, MONDO:0019625.

Allele frequency attached by ClinVar (database versions not stated): gnomAD exomes below 0.00001.
gnomAD v4.1: 2 of 1,613,960 alleles (0.00012%); highest among the groups gnomAD compares: Non-Finnish European, 0.00017%; no homozygotes.

Submissions (2):

All of Us Research Program, National Institutes of Health
Classification: Uncertain significance for Familial thoracic aortic aneurysm and aortic dissection. Last evaluated: 2024-08-23. Review status: criteria provided, single submitter. Criteria: ACMG Guidelines, 2015. Collection method: clinical testing. Allele origin: germline. Inheritance: Autosomal dominant inheritance. Observed: 2 variant alleles, 2 heterozygotes.
Comment: This missense variant replaces serine with glycine at codon 1933 of the MYH11 protein. Computational prediction is inconclusive regarding the impact of this variant on protein structure and function (internally defined REVEL score threshold 0.5 < inconclusive < 0.7, PMID: 27666373). To our knowledge, functional studies have not been reported for this variant. This variant has not been reported in individuals affected with MYH11-related disorders in the literature. This variant has been identified in 1/250186 chromosomes in the general population by the Genome Aggregation Database (gnomAD). The available evidence is insufficient to determine the role of this variant in disease conclusively. Therefore, this variant is classified as a Variant of Uncertain Significance.

This study involves interpretation of variants in research participants for the purpose of population health screening. Participant phenotype was not available at the time of variant classification. Additional details can be found in publication PMID: 35346344, PMCID: PMC8962531

Color Diagnostics, LLC DBA Color Health
Classification: Uncertain significance for Familial thoracic aortic aneurysm and aortic dissection. Last evaluated: 2024-03-14. Review status: criteria provided, single submitter. Criteria: ACMG Guidelines, 2015. Collection method: clinical testing. Allele origin: germline.
Comment: This missense variant replaces serine with glycine at codon 1933 of the MYH11 protein. Computational prediction tools indicate that this variant's impact on protein structure and function is inconclusive. To our knowledge, functional studies have not been reported for this variant. This variant has not been reported in individuals affected with MYH11-related disorders in the literature. This variant has been identified in 1/250186 chromosomes in the general population by the Genome Aggregation Database (gnomAD). The available evidence is insufficient to determine the role of this variant in disease conclusively. Therefore, this variant is classified as a Variant of Uncertain Significance.

NM_002474.3(MYH11):c.5776A>G (p.Ser1926Gly)

Genes: MYH11 (myosin heavy chain 11; minus strand), NDE1 (nudE neurodevelopment protein 1; plus strand). Cytogenetic location: 16p13.11.
Variant type: single nucleotide variant.
Coding change: c.5776A>G on transcript NM_002474.3 (MANE Select); coding-DNA position 5776, A replaced by G.
Protein change: p.Ser1926Gly; replaces serine 1926 with glycine.
Molecular consequence: missense variant. On other transcripts: intron variant (2).
Genome position (GRCh38, 1-based): chr16:15,714,919, T>C on the plus strand (A>G on the coding strand, the complement: MYH11 is on the minus strand). VCF-style: chr16-15714919-T-C. GRCh37 (hg19) VCF-style: chr16-15808776-T-C.
Other names: c.5797A>G, p.Ser1933Gly (NM_001040113.2, NM_001040114.2); c.5776A>G, p.Ser1926Gly (NM_022844.3); c.948-9272T>C (NM_001143979.2, NM_017668.3); short protein forms S1926G, S1933G.
Identifiers: ClinVar variation 3069675 (VCV003069675.3), dbSNP rs1264656948, ClinGen allele CA394846234.